The following is an entry in ClinVar:

ClinVar aggregate classification (germline): Conflicting classifications of pathogenicity. Review status: criteria provided, conflicting classifications (1 of 4 stars). 5 submissions from 5 submitters: Uncertain significance (3); Benign (1); Likely benign (1). Last evaluated 2025-08-23.

Conditions:
Cardiomyopathy (CMYO). Also called: Cardiomyopathies. Identifiers: Orphanet 167848, MedGen C0878544, MONDO:0004994, HP:0001638. Inheritance: Various modes of inheritance.
Auditory neuropathy, autosomal dominant 3 (AUNA3). Identifiers: MedGen C5676964, MONDO:0859235, OMIM 619832.
Arrhythmogenic right ventricular dysplasia 5. Also called: Arrhythmogenic Right Ventricular Dysplasia/Cardiomyopathy 5; ARRHYTHMOGENIC RIGHT VENTRICULAR DYSPLASIA, FAMILIAL, 5. Identifiers: MedGen C1858379, MONDO:0011459, OMIM 604400.
Emery-Dreifuss muscular dystrophy 7, autosomal dominant (EDMD7). Also called: Emery-Dreifuss muscular dystrophy 7, AD. Identifiers: Orphanet 261, MedGen C3553060, MONDO:0013677, OMIM 614302.
Cardiovascular phenotype. Identifiers: MedGen CN230736.

Allele frequency attached by ClinVar (database versions not stated): gnomAD 0.00003; TOPMed 0.00003; ExAC 0.00008; ESP Exome Variant Server 0.00008; gnomAD exomes 0.00008.

Submissions (5):

Labcorp Genetics (formerly Invitae), Labcorp
Classification: Uncertain significance for Arrhythmogenic right ventricular dysplasia 5. Last evaluated: 2025-08-23. Review status: criteria provided, single submitter. Criteria: Invitae Variant Classification Sherloc (09022015). Collection method: clinical testing. Allele origin: germline.
Comment: This sequence change replaces glutamic acid, which is acidic and polar, with lysine, which is basic and polar, at codon 135 of the TMEM43 protein (p.Glu135Lys). This variant is present in population databases (rs140347235, gnomAD 0.05%), and has an allele count higher than expected for a pathogenic variant. This variant has not been reported in the literature in individuals affected with TMEM43-related conditions. ClinVar contains an entry for this variant (Variation ID: 466418). Invitae Evidence Modeling of protein sequence and biophysical properties (such as structural, functional, and spatial information, amino acid conservation, physicochemical variation, residue mobility, and thermodynamic stability) indicates that this missense variant is not expected to disrupt TMEM43 protein function with a negative predictive value of 80%. In summary, the available evidence is currently insufficient to determine the role of this variant in disease. Therefore, it has been classified as a Variant of Uncertain Significance.

Ambry Genetics
Classification: Benign for Cardiovascular phenotype. Last evaluated: 2023-04-18. Review status: criteria provided, single submitter. Criteria: Ambry Variant Classification Scheme 2023. Collection method: clinical testing. Allele origin: germline.

Color Diagnostics, LLC DBA Color Health
Classification: Likely benign for Cardiomyopathy. Last evaluated: 2021-09-22. Review status: criteria provided, single submitter. Criteria: ACMG Guidelines, 2015. Collection method: clinical testing. Allele origin: germline.

Fulgent Genetics
Classification: Uncertain significance for Arrhythmogenic right ventricular dysplasia 5; Emery-Dreifuss muscular dystrophy 7, autosomal dominant; Auditory neuropathy, autosomal dominant 3. Last evaluated: 2021-09-21. Review status: criteria provided, single submitter. Criteria: ACMG Guidelines, 2015. Collection method: clinical testing. Allele origin: unknown.

Women's Health and Genetics/Laboratory Corporation of America, LabCorp
Classification: Uncertain significance. Last evaluated: 2020-08-10. Review status: criteria provided, single submitter. Criteria: LabCorp Variant Classification Summary - May 2015. Collection method: clinical testing. Allele origin: germline.
Comment: Variant summary: TMEM43 c.403G>A (p.Glu135Lys) results in a conservative amino acid change in the encoded protein sequence. Three of five in-silico tools predict a damaging effect of the variant on protein function. The variant allele was found at a frequency of 8e-05 in 251392 control chromosomes (gnomAD). The observed variant frequency is approximately 10-fold of the estimated maximal expected allele frequency for a pathogenic variant in TMEM43 causing Arrhythmogenic Right Ventricular Dysplasia/Cardiomyopathy phenotype (8.3e-06), strongly suggesting that the variant is benign. To our knowledge, c.403G>A has not been reported in the literature in individuals affected with Arrhythmogenic Right Ventricular Dysplasia/Cardiomyopathy but has been reported in a healthy control individual (Kapplinger_2011). This report does not provide unequivocal conclusions about association of the variant with Arrhythmogenic Right Ventricular Dysplasia/Cardiomyopathy. To our knowledge, no experimental evidence demonstrating an impact on protein function has been reported. Three ClinVar submitters (evaluation after 2014) cite the variant as uncertain significance. Based on the evidence outlined above, the variant was classified as VUS-possibly benign.

Literature cited by the submitters: PubMed 21636032 (cited by Women's Health and Genetics/Laboratory Corporation of America, LabCorp).

NM_024334.3(TMEM43):c.403G>A (p.Glu135Lys)

Gene: TMEM43 (transmembrane protein 43; plus strand). Cytogenetic location: 3p25.1.
Variant type: single nucleotide variant.
Coding change: c.403G>A on transcript NM_024334.3 (MANE Select); coding-DNA position 403, G replaced by A.
Protein change: p.Glu135Lys; replaces glutamic acid 135 with lysine.
Molecular consequence: missense variant.
Genome position (GRCh38, 1-based): chr3:14,132,556, G>A. VCF-style: chr3-14132556-G-A. GRCh37 (hg19) VCF-style: chr3-14174056-G-A.
Other names: short protein forms E135K.
Identifiers: ClinVar variation 466418 (VCV000466418.18), dbSNP rs140347235, ClinGen allele CA053446.
Genomic context (GRCh38, chr3:14,132,556, plus strand): 5'-TGCCTGGGGCGACGAGGCTAACCCCCGTGGCTGCTTTGCTTTCCCTGCAGGGAGTACACC[G>A]AGGATGGGCAGGTGAAGAAGGAGACGAGGTATTCCTACAGTGAGTGCTGGGCCCCTTACG-3'
Protein context (NP_077310.1, residues 125-145): VETEESREYT[Glu135Lys]DGQVKKETRY